The following is an entry in ClinVar:

NM_001083962.2(TCF4):c.305-2A>T

Gene: TCF4 (transcription factor 4; minus strand). Cytogenetic location: 18q21.2.
Variant type: single nucleotide variant.
Coding change: c.305-2A>T on transcript NM_001083962.2 (MANE Select); the canonical splice acceptor site of the intron before coding-DNA position 305, A replaced by T.
Molecular consequence: splice acceptor variant.
Genome position (GRCh38, 1-based): chr18:55,403,520, T>A on the plus strand (A>T on the coding strand, the complement: TCF4 is on the minus strand). VCF-style: chr18-55403520-T-A. GRCh37 (hg19) VCF-style: chr18-53070751-T-A.
Other names: c.233-2A>T (NM_001348217.1, NM_001369584.1, NM_001369576.1 and 15 more transcripts); c.95-2A>T (NM_001306208.1, NM_001243232.1); c.611-2A>T (NM_001243226.3); c.305-2A>T (NM_001369571.1, NM_001369567.1, NM_001243228.2 and 8 more transcripts); c.299-2A>T (NM_001243230.2); c.179-2A>T (NM_001243231.2, NM_001348211.2); c.-83-2A>T (NM_001348212.2); c.-86-2A>T (NM_001348213.2, NM_001243233.2).
Identifiers: ClinVar variation 4854146 (VCV004854146.1).

ClinVar aggregate classification (germline): Likely pathogenic (1 of 4 stars; one submission).

Conditions:
Pitt-Hopkins syndrome (PTHS). Also called: ENCEPHALOPATHY, SEVERE EPILEPTIC, WITH AUTONOMIC DYSFUNCTION; MENTAL RETARDATION, SYNDROMAL, WITH INTERMITTENT HYPERVENTILATION. Identifiers: Orphanet 2896, MedGen C1970431, MONDO:0012589, OMIM 610954.

Submission:

3billion
Classification: Likely pathogenic for Pitt-Hopkins syndrome. Last evaluated: 2025-10-30. Review status: criteria provided, single submitter. Criteria: ACMG Guidelines, 2015. Collection method: clinical testing. Allele origin: germline. Affected: yes.
Comment: The variant is not observed in the gnomAD v4.1.0 dataset. Predicted Consequence/Location: Canonical splice site: predicted to alter splicing and result in a loss or disruption of normal protein function. Multiple pathogenic loss-of-function variants are reported downstream of the variant. In silico tools predict the variant to alter splicing and produce an abnormal transcript [SpliceAI: 0.98 (spliceogenicity >=0.2, non-spliceogenicity <0.1)]. Therefore, this variant is classified as Likely pathogenic according to the recommendation of ACMG/AMP guideline.